The following is an entry in ClinVar:

NM_016284.5(CNOT1):c.3158C>T (p.Thr1053Met)

Gene: CNOT1 (CCR4-NOT transcription complex subunit 1; minus strand). Cytogenetic location: 16q21.
Variant type: single nucleotide variant.
Coding change: c.3158C>T on transcript NM_016284.5 (MANE Select); coding-DNA position 3158, C replaced by T.
Protein change: p.Thr1053Met; replaces threonine 1053 with methionine.
Molecular consequence: missense variant. On other transcripts: non-coding transcript variant (1).
Genome position (GRCh38, 1-based): chr16:58,551,632, G>A on the plus strand (C>T on the coding strand, the complement: CNOT1 is on the minus strand). VCF-style: chr16-58551632-G-A. GRCh37 (hg19) VCF-style: chr16-58585536-G-A.
Other names: c.3143C>T, p.Thr1048Met (NM_001265612.2); c.3158C>T, p.Thr1053Met (NM_206999.3); short protein forms T1053M, T1048M.
Identifiers: ClinVar variation 3014758 (VCV003014758.3), dbSNP rs538817578, ClinGen allele CA8089507.

ClinVar aggregate classification (germline): Uncertain significance (1 of 4 stars; one submission).

Allele frequency attached by ClinVar (database versions not stated): gnomAD 0.00001; gnomAD exomes 0.00001; TOPMed 0.00002; ExAC 0.00005; 1000 Genomes Project 30x 0.00031; 1000 Genomes Project 0.00040.
gnomAD v4.1: 23 of 1,614,202 alleles (0.0014%); highest among the groups gnomAD compares: South Asian, 0.0044%; no homozygotes.

Submission:

Labcorp Genetics (formerly Invitae), Labcorp
Classification: Uncertain significance. Last evaluated: 2023-05-11. Review status: criteria provided, single submitter. Criteria: Invitae Variant Classification Sherloc (09022015). Collection method: clinical testing. Allele origin: germline.
Comment: In summary, the available evidence is currently insufficient to determine the role of this variant in disease. Therefore, it has been classified as a Variant of Uncertain Significance. An algorithm developed to predict the effect of missense changes on protein structure and function (PolyPhen-2) suggests that this variant is likely to be disruptive. This variant has not been reported in the literature in individuals affected with CNOT1-related conditions. This variant is present in population databases (rs538817578, gnomAD 0.01%). This sequence change replaces threonine, which is neutral and polar, with methionine, which is neutral and non-polar, at codon 1048 of the CNOT1 protein (p.Thr1048Met).